The following is an entry in ClinVar:

NM_005359.6(SMAD4):c.793A>C (p.Thr265Pro)

Gene: SMAD4 (SMAD family member 4; plus strand). Cytogenetic location: 18q21.2.
Variant type: single nucleotide variant.
Coding change: c.793A>C on transcript NM_005359.6 (MANE Select); coding-DNA position 793, A replaced by C.
Protein change: p.Thr265Pro; replaces threonine 265 with proline.
Molecular consequence: missense variant.
Genome position (GRCh38, 1-based): chr18:51,058,345, A>C. VCF-style: chr18-51058345-A-C. GRCh37 (hg19) VCF-style: chr18-48584715-A-C.
Other names: c.793A>C, p.Thr265Pro (NM_001407041.1, NM_001407042.1, NM_001407043.1); short protein forms T265P.
Identifiers: ClinVar variation 2094411 (VCV002094411.5), dbSNP rs1909898754, ClinGen allele CA402463267.

ClinVar aggregate classification (germline): Uncertain significance. Review status: criteria provided, multiple submitters, no conflicts (2 of 4 stars). 2 submissions from 2 submitters: Uncertain significance (2). Last evaluated 2026-07-19.

Conditions:
Juvenile polyposis syndrome (JPS). Identifiers: Orphanet 2929, MedGen C0345893, MONDO:0017380, OMIM 174900.
Hereditary cancer-predisposing syndrome. Also called: Tumor predisposition; Hereditary Cancer Syndrome; Hereditary neoplastic syndrome; Neoplastic Syndromes, Hereditary. Identifiers: Orphanet 140162, MedGen C0027672, MeSH D009386, MONDO:0015356.
Familial thoracic aortic aneurysm and aortic dissection (TAAD). Also called: Thoracic aortic aneurysms and dissections. Identifiers: Orphanet 91387, MedGen C4707243, MONDO:0019625.

Submissions (2):

Ambry Genetics
Classification: Uncertain significance for Hereditary cancer-predisposing syndrome; Familial thoracic aortic aneurysm and aortic dissection. Last evaluated: 2026-07-19. Review status: criteria provided, single submitter. Criteria: Ambry Variant Classification Scheme 2023. Collection method: clinical testing. Allele origin: germline.
Comment: The p.T265P variant (also known as c.793A>C), located in coding exon 6 of the SMAD4 gene, results from an A to C substitution at nucleotide position 793. The threonine at codon 265 is replaced by proline, an amino acid with highly similar properties. This amino acid position is conserved. In addition, the in silico prediction for this alteration is inconclusive. Based on the available evidence, the clinical significance of this variant remains unclear.

Labcorp Genetics (formerly Invitae), Labcorp
Classification: Uncertain significance for Juvenile polyposis syndrome. Last evaluated: 2022-02-16. Review status: criteria provided, single submitter. Criteria: Invitae Variant Classification Sherloc (09022015). Collection method: clinical testing. Allele origin: germline.
Comment: In summary, the available evidence is currently insufficient to determine the role of this variant in disease. Therefore, it has been classified as a Variant of Uncertain Significance. Advanced modeling of protein sequence and biophysical properties (such as structural, functional, and spatial information, amino acid conservation, physicochemical variation, residue mobility, and thermodynamic stability) performed at Invitae indicates that this missense variant is not expected to disrupt SMAD4 protein function. This variant has not been reported in the literature in individuals affected with SMAD4-related conditions. This variant is not present in population databases (gnomAD no frequency). This sequence change replaces threonine, which is neutral and polar, with proline, which is neutral and non-polar, at codon 265 of the SMAD4 protein (p.Thr265Pro).